The following is an entry in ClinVar:

NM_001909.5(CTSD):c.307C>G (p.Leu103Val)

Gene: CTSD (cathepsin D; minus strand). Cytogenetic location: 11p15.5.
Variant type: single nucleotide variant.
Coding change: c.307C>G on transcript NM_001909.5 (MANE Select); coding-DNA position 307, C replaced by G.
Protein change: p.Leu103Val; replaces leucine 103 with valine.
Molecular consequence: missense variant.
Genome position (GRCh38, 1-based): chr11:1,759,561, G>C on the plus strand (C>G on the coding strand, the complement: CTSD is on the minus strand). VCF-style: chr11-1759561-G-C. GRCh37 (hg19) VCF-style: chr11-1780791-G-C.
Other names: short protein forms L103V.
Identifiers: ClinVar variation 968685 (VCV000968685.9), dbSNP rs750415207, ClinGen allele CA5814237.

ClinVar aggregate classification (germline): Uncertain significance (1 of 4 stars; one submission).

Conditions:
Neuronal ceroid lipofuscinosis. Also called: Neuronal Ceroid Lipofuscinoses. Identifiers: Orphanet 216, Orphanet 79263, MedGen C0027877, MONDO:0016295. Disease mechanism: loss of function.

Allele frequency attached by ClinVar (database versions not stated): TOPMed 0.00001.
gnomAD v4.1: 5 of 1,613,494 alleles (0.00031%); highest among the groups gnomAD compares: Admixed American, 0.0017%; no homozygotes.

Submission:

Labcorp Genetics (formerly Invitae), Labcorp
Classification: Uncertain significance for Neuronal ceroid lipofuscinosis. Last evaluated: 2021-08-04. Review status: criteria provided, single submitter. Criteria: Invitae Variant Classification Sherloc (09022015). Collection method: clinical testing. Allele origin: germline.
Comment: Algorithms developed to predict the effect of missense changes on protein structure and function are either unavailable or do not agree on the potential impact of this missense change (SIFT: "Deleterious"; PolyPhen-2: "Probably Damaging"; Align-GVGD: "Class C0"). This variant has not been reported in the literature in individuals with CTSD-related conditions. This variant is present in population databases (rs750415207, ExAC 0.009%). This sequence change replaces leucine with valine at codon 103 of the CTSD protein (p.Leu103Val). The leucine residue is highly conserved and there is a small physicochemical difference between leucine and valine. In summary, the available evidence is currently insufficient to determine the role of this variant in disease. Therefore, it has been classified as a Variant of Uncertain Significance.